The following is an entry in ClinVar:

ClinVar aggregate classification (germline): Benign/Likely benign. Review status: criteria provided, multiple submitters, no conflicts (2 of 4 stars). 3 submissions from 3 submitters: Benign (1); Likely benign (2). Last evaluated 2025-03-26.

Conditions:
Hereditary cancer-predisposing syndrome. Also called: Hereditary Cancer Syndrome; Hereditary neoplastic syndrome; Neoplastic Syndromes, Hereditary; Tumor predisposition. Identifiers: Orphanet 140162, MedGen C0027672, MeSH D009386, MONDO:0015356.
Peutz-Jeghers syndrome (PJS). Also called: Peutz-Jeghers polyposis; Periorificial lentiginosis syndrome; POLYPOSIS, HAMARTOMATOUS INTESTINAL; POLYPS-AND-SPOTS SYNDROME. Identifiers: Orphanet 2869, MedGen C0031269, MeSH D010580, MONDO:0008280, OMIM 175200.

gnomAD v4.1: 2 of 1,602,970 alleles (0.00012%); highest among the groups gnomAD compares: Non-Finnish European, 0.00017%; no homozygotes.

Submissions (3):

Myriad Genetics, Inc.
Classification: Benign for Peutz-Jeghers syndrome. Last evaluated: 2025-03-26. Review status: criteria provided, single submitter. Criteria: Myriad Autosomal Dominant, Autosomal Recessive and X-Linked Classification Criteria (2023). Collection method: clinical testing. Allele origin: unknown.
Comment: This variant is considered benign. This variant is a silent/synonymous amino acid change and it is not expected to impact splicing.

Ambry Genetics
Classification: Likely benign for Hereditary cancer-predisposing syndrome. Last evaluated: 2024-11-02. Review status: criteria provided, single submitter. Criteria: Ambry Variant Classification Scheme 2023. Collection method: clinical testing. Allele origin: germline.

Labcorp Genetics (formerly Invitae), Labcorp
Classification: Likely benign for Peutz-Jeghers syndrome. Last evaluated: 2024-06-10. Review status: criteria provided, single submitter. Criteria: Invitae Variant Classification Sherloc (09022015). Collection method: clinical testing. Allele origin: germline.

NM_000455.5(STK11):c.480G>A (p.Leu160=)

Gene: STK11 (serine/threonine kinase 11; plus strand). Cytogenetic location: 19p13.3.
Variant type: single nucleotide variant.
Coding change: c.480G>A on transcript NM_000455.5 (MANE Select); coding-DNA position 480, G replaced by A.
Protein change: p.Leu160=; no amino-acid change (leucine 160 retained).
Molecular consequence: synonymous variant. On other transcripts: non-coding transcript variant (1).
Genome position (GRCh38, 1-based): chr19:1,220,388, G>A. VCF-style: chr19-1220388-G-A. GRCh37 (hg19) VCF-style: chr19-1220387-G-A.
Other names: c.480G>A, p.Leu160= (NM_001407255.1).
Identifiers: ClinVar variation 3450584 (VCV003450584.4).
Genomic context (GRCh38, chr19:1,220,388, plus strand): 5'-GGGCAGGGAGGCCTCGGCCCCAGGACGGGTGTGTGCTGCCCGCAGGTACTTCTGTCAGCT[G>A]ATTGACGGCCTGGAGTACCTGCATAGCCAGGGCATTGTGCACAAGGACATCAAGCCGGGG-3'
Protein context (NP_000446.1, residues 150-170): VCQAHGYFCQ[Leu160=]IDGLEYLHSQ